The following is an entry in ClinVar:

NM_001347886.2(DNAH3):c.4559C>T (p.Ser1520Phe)

Gene: DNAH3 (dynein axonemal heavy chain 3; minus strand). Cytogenetic location: 16p12.3.
Variant type: single nucleotide variant.
Coding change: c.4559C>T on transcript NM_001347886.2 (MANE Select); coding-DNA position 4559, C replaced by T.
Protein change: p.Ser1520Phe; replaces serine 1520 with phenylalanine.
Molecular consequence: missense variant.
Genome position (GRCh38, 1-based): chr16:21,039,885, G>A on the plus strand (C>T on the coding strand, the complement: DNAH3 is on the minus strand). VCF-style: chr16-21039885-G-A. GRCh37 (hg19) VCF-style: chr16-21051207-G-A.
Other names: c.4697C>T, p.Ser1566Phe (NM_017539.2); short protein forms S1520F, S1566F.
Identifiers: ClinVar variation 4087843 (VCV004087843.1).

ClinVar aggregate classification (germline): Uncertain significance (1 of 4 stars; one submission).

Submission:

GeneDx
Classification: Uncertain significance. Last evaluated: 2025-03-25. Review status: criteria provided, single submitter. Criteria: GeneDx Variant Classification Process June 2021. Collection method: clinical testing. Allele origin: germline. Affected: yes.
Comment: Not observed at significant frequency in large population cohorts (gnomAD); In silico analysis supports that this missense variant has a deleterious effect on protein structure/function; Has not been previously published as pathogenic or benign to our knowledge